The following is an entry in ClinVar:

NM_001197104.2(KMT2A):c.3611C>A (p.Ala1204Asp)

Gene: KMT2A (lysine methyltransferase 2A; plus strand). Cytogenetic location: 11q23.3.
Variant type: single nucleotide variant.
Coding change: c.3611C>A on transcript NM_001197104.2 (MANE Select); coding-DNA position 3611, C replaced by A.
Protein change: p.Ala1204Asp; replaces alanine 1204 with aspartic acid.
Molecular consequence: missense variant.
Genome position (GRCh38, 1-based): chr11:118,480,215, C>A. VCF-style: chr11-118480215-C-A. GRCh37 (hg19) VCF-style: chr11-118350930-C-A.
Other names: c.3710C>A, p.Ala1237Asp (NM_001412597.1); c.3611C>A, p.Ala1204Asp (NM_005933.4); short protein forms A1204D, A1237D.
Identifiers: ClinVar variation 1996975 (VCV001996975.4), dbSNP rs1470144778, ClinGen allele CA382826457.

ClinVar aggregate classification (germline): Uncertain significance (1 of 4 stars; one submission).

Allele frequency attached by ClinVar (database versions not stated): gnomAD exomes below 0.00001.
gnomAD v4.1: 1 of 1,613,644 alleles (0.000062%); highest among the groups gnomAD compares: Non-Finnish European, 0.000085%; no homozygotes.

Submission:

Labcorp Genetics (formerly Invitae), Labcorp
Classification: Uncertain significance. Last evaluated: 2022-05-20. Review status: criteria provided, single submitter. Criteria: Invitae Variant Classification Sherloc (09022015). Collection method: clinical testing. Allele origin: germline.
Comment: This variant has not been reported in the literature in individuals affected with KMT2A-related conditions. This variant is not present in population databases (gnomAD no frequency). This sequence change replaces alanine, which is neutral and non-polar, with aspartic acid, which is acidic and polar, at codon 1204 of the KMT2A protein (p.Ala1204Asp). Algorithms developed to predict the effect of missense changes on protein structure and function are either unavailable or do not agree on the potential impact of this missense change (SIFT: "Deleterious"; PolyPhen-2: "Probably Damaging"; Align-GVGD: "Class C0"). In summary, the available evidence is currently insufficient to determine the role of this variant in disease. Therefore, it has been classified as a Variant of Uncertain Significance.